The following is an entry in ClinVar:

ClinVar aggregate classification (germline): Pathogenic (1 of 4 stars; one submission).

Conditions:
Inborn genetic diseases. Identifiers: MedGen C0950123, MeSH D030342.

Allele frequency attached by ClinVar (database versions not stated): gnomAD 0.00001; gnomAD exomes 0.00001; TOPMed 0.00001.
gnomAD v4.1: 12 of 1,612,842 alleles (0.00074%); highest among the groups gnomAD compares: Non-Finnish European, 0.00093%; no homozygotes.

Submission:

Ambry Genetics
Classification: Pathogenic for Inborn genetic diseases. Last evaluated: 2021-03-24. Review status: criteria provided, single submitter. Criteria: Ambry Variant Classification Scheme 2023. Collection method: clinical testing. Allele origin: germline.
Comment: The c.521+2T>C intronic variant results from a T to C substitution two nucleotides after coding exon 4 of the COQ9 gene. Alterations that disrupt the canonical splice site are expected to cause aberrant splicing, resulting in an abnormal protein or a transcript that is subject to nonsense-mediated mRNA decay. Based on data from the Genome Aggregation Database (gnomAD) database, the COQ9 c.521+2T>C alteration was observed in 0% (1/250308) of total alleles studied, with a frequency of 0% (1/113198) in the European (non-Finnish) subpopulation. This alteration was detected as compound heterozygous with COQ9 c.711+3G>C in four siblings with lethal neonatal coenzyme Q10 deficiency (Smith, 2018). This nucleotide position is highly conserved in available vertebrate species. RT-PCR performed on RNA from patient fibroblasts revealed that this variant resulted in the skipping of exons 4 and 5 (Smith, 2018). In silico splice site analysis predicts that this alteration will weaken the native splice donor site. Based on the available evidence, this alteration is classified as pathogenic.

Literature cited by the submitters: PubMed 29560582.

NM_020312.4(COQ9):c.521+2T>C

Gene: COQ9 (coenzyme Q9; plus strand). Cytogenetic location: 16q21.
Variant type: single nucleotide variant.
Coding change: c.521+2T>C on transcript NM_020312.4 (MANE Select); the canonical splice donor site of the intron after coding-DNA position 521, T replaced by C.
Molecular consequence: splice donor variant.
Genome position (GRCh38, 1-based): chr16:57,456,648, T>C. VCF-style: chr16-57456648-T-C. GRCh37 (hg19) VCF-style: chr16-57490560-T-C.
Identifiers: ClinVar variation 3076335 (VCV003076335.1), dbSNP rs1160280040, ClinGen allele CA396028634.
Genomic context (GRCh38, chr16:57,456,648, plus strand): 5'-ACCCGGCTCACACGTGTGCTAGAAGAGGAGCAGAAGCTGGTACAGTTGGGCCAGGCGGAG[T>C]AAGTCCCATGGCATTACTACTCAGGGTGGCAGCTAAGGATCAGGGAACTTGGGCCCTACC-3'